The following is an entry in ClinVar:

NM_004667.6(HERC2):c.9948T>C (p.Cys3316=)

Gene: HERC2 (HECT and RLD domain containing E3 ubiquitin protein ligase 2; minus strand). Cytogenetic location: 15q13.1.
Variant type: single nucleotide variant.
Coding change: c.9948T>C on transcript NM_004667.6 (MANE Select); coding-DNA position 9948, T replaced by C.
Protein change: p.Cys3316=; no amino-acid change (cysteine 3316 retained).
Molecular consequence: synonymous variant.
Genome position (GRCh38, 1-based): chr15:28,174,504, A>G on the plus strand (T>C on the coding strand, the complement: HERC2 is on the minus strand). VCF-style: chr15-28174504-A-G. GRCh37 (hg19) VCF-style: chr15-28419650-A-G.
Other names: c.9948T>C (NM_004667.5).
Identifiers: ClinVar variation 4923684 (VCV004923684.2).

ClinVar aggregate classification (germline): Benign/Likely benign. Review status: criteria provided, multiple submitters, no conflicts (2 of 4 stars). 2 submissions from 2 submitters: Benign (1); Likely benign (1). Last evaluated 2026-08-25.

Conditions:
HERC2-related disorder. Also called: HERC2-related condition.

Submissions (2):

PreventionGenetics, part of Exact Sciences
Classification: Benign for HERC2-related condition. Last evaluated: 2026-08-25. Review status: criteria provided, single submitter. Criteria: ACMG Guidelines, 2015. Collection method: clinical testing. Allele origin: germline.
Comment: This variant is classified as benign based on ACMG/AMP sequence variant interpretation guidelines (Richards et al. 2015 PMID: 25741868, with internal and published modifications).

Blueprint Genetics
Classification: Likely benign. Last evaluated: 2024-11-27. Review status: criteria provided, single submitter. Criteria: ACMG Guidelines, 2015. Collection method: clinical testing. Allele origin: germline.